The following is an entry in ClinVar:

NM_000701.8(ATP1A1):c.743A>C (p.Asn248Thr)

Gene: ATP1A1 (ATPase Na+/K+ transporting subunit alpha 1; plus strand). Cytogenetic location: 1p13.1.
Variant type: single nucleotide variant.
Coding change: c.743A>C on transcript NM_000701.8 (MANE Select); coding-DNA position 743, A replaced by C.
Protein change: p.Asn248Thr; replaces asparagine 248 with threonine.
Molecular consequence: missense variant.
Genome position (GRCh38, 1-based): chr1:116,389,008, A>C. VCF-style: chr1-116389008-A-C. GRCh37 (hg19) VCF-style: chr1-116931630-A-C.
Other names: c.743A>C, p.Asn248Thr (NM_001160233.2); c.650A>C, p.Asn217Thr (NM_001160234.2); short protein forms N217T, N248T.
Identifiers: ClinVar variation 1360111 (VCV001360111.6), dbSNP rs1652274501, ClinGen allele CA341843161.

ClinVar aggregate classification (germline): Uncertain significance (1 of 4 stars; one submission).

Submission:

Labcorp Genetics (formerly Invitae), Labcorp
Classification: Uncertain significance. Last evaluated: 2021-08-11. Review status: criteria provided, single submitter. Criteria: Invitae Variant Classification Sherloc (09022015). Collection method: clinical testing. Allele origin: germline.
Comment: In summary, the available evidence is currently insufficient to determine the role of this variant in disease. Therefore, it has been classified as a Variant of Uncertain Significance. Advanced modeling of protein sequence and biophysical properties (such as structural, functional, and spatial information, amino acid conservation, physicochemical variation, residue mobility, and thermodynamic stability) performed at Invitae indicates that this missense variant is not expected to disrupt ATP1A1 protein function. This variant has not been reported in the literature in individuals affected with ATP1A1-related conditions. This variant is not present in population databases (ExAC no frequency). This sequence change replaces asparagine with threonine at codon 248 of the ATP1A1 protein (p.Asn248Thr). The asparagine residue is highly conserved and there is a small physicochemical difference between asparagine and threonine.